The following is an entry in ClinVar:

NM_032043.3(BRIP1):c.3536_3538del (p.Val1179del)

Gene: BRIP1 (BRCA1 interacting DNA helicase 1; minus strand). Cytogenetic location: 17q23.2.
Variant type: Deletion.
Coding change: c.3536_3538del on transcript NM_032043.3 (MANE Select); coding-DNA positions 3536 to 3538, 3 bases deleted (TAG; older notation c.3536_3538delTAG).
Protein change: p.Val1179del; deletes valine 1179.
Molecular consequence: inframe deletion.
Genome position (GRCh38, 1-based): chr17:61,683,508-61,683,510, CTA deleted on the plus strand (TAG on the coding strand, the reverse complement: BRIP1 is on the minus strand); deleting any 3 consecutive bases within chr17:61,683,508-61,683,512 gives the same sequence; the c. name uses the placement nearest the transcript's 3' end. VCF-style (leftmost placement, unchanged base first): chr17-61683507-TCTA-T. GRCh37 (hg19) VCF-style: chr17-59760868-TCTA-T.
Other names: short protein forms V1179del.
Identifiers: ClinVar variation 823899 (VCV000823899.7), dbSNP rs1603274921, ClinGen allele CA915950680.
Genomic context (GRCh38, chr17:61,683,507, plus strand): 5'-TGCAGAATTCCATTCAACTTTGTATCTATGCAATCCTCAGCTTTCACTTCTCTGGCTGAA[TCTA>T]CTTCTTTTATAGTTCTAATTTCAAAAAGGTCTTTAGCTAAAATGCAATCTGAATTGTTAG-3'

ClinVar aggregate classification (germline): Uncertain significance. Review status: criteria provided, multiple submitters, no conflicts (2 of 4 stars). 2 submissions from 2 submitters: Uncertain significance (2). Last evaluated 2024-11-24.

Conditions:
Hereditary cancer-predisposing syndrome. Also called: Neoplastic Syndromes, Hereditary; Hereditary Cancer Syndrome; Hereditary neoplastic syndrome; Tumor predisposition. Identifiers: Orphanet 140162, MedGen C0027672, MeSH D009386, MONDO:0015356.
Fanconi anemia complementation group J. Also called: BRIP1-Related Fanconi Anemia. Identifiers: Orphanet 84, MedGen C1836860, MONDO:0012187, OMIM 609054.
Familial cancer of breast. Also called: hereditary breast carcinoma; BREAST CANCER, FAMILIAL; Hereditary breast cancer. Identifiers: Orphanet 227535, MedGen C0346153, MONDO:0016419, OMIM 114480. Disease mechanism: loss of function.

Submissions (2):

Labcorp Genetics (formerly Invitae), Labcorp
Classification: Uncertain significance for Familial cancer of breast; Fanconi anemia complementation group J. Last evaluated: 2024-11-24. Review status: criteria provided, single submitter. Criteria: Invitae Variant Classification Sherloc (09022015). Collection method: clinical testing. Allele origin: germline.
Comment: This variant, c.3536_3538del, results in the deletion of 1 amino acid(s) of the BRIP1 protein (p.Val1179del), but otherwise preserves the integrity of the reading frame. This variant is not present in population databases (gnomAD no frequency). This variant has not been reported in the literature in individuals affected with BRIP1-related conditions. ClinVar contains an entry for this variant (Variation ID: 823899). Experimental studies and prediction algorithms are not available or were not evaluated, and the functional significance of this variant is currently unknown. In summary, the available evidence is currently insufficient to determine the role of this variant in disease. Therefore, it has been classified as a Variant of Uncertain Significance.

Ambry Genetics
Classification: Uncertain significance for Hereditary cancer-predisposing syndrome. Last evaluated: 2019-12-11. Review status: criteria provided, single submitter. Criteria: Ambry Variant Classification Scheme 2023. Collection method: clinical testing. Allele origin: germline.
Comment: The c.3536_3538delTAG variant (also known as p.V1179del) is located in coding exon 19 of the BRIP1 gene. This variant results from an in-frame TAG deletion at nucleotide positions 3536 to 3538. This results in the in-frame deletion of a valine residue at codon 1179. This amino acid position is not well conserved in available vertebrate species. Since supporting evidence is limited at this time, the clinical significance of this alteration remains unclear.